The following is an entry in ClinVar:

ClinVar aggregate classification (germline): Conflicting classifications of pathogenicity. Review status: criteria provided, conflicting classifications (1 of 4 stars). 3 submissions from 3 submitters: Uncertain significance (2); Likely benign (1). Last evaluated 2024-06-25.

Conditions:
Inborn genetic diseases. Identifiers: MedGen C0950123, MeSH D030342.

Allele frequency attached by ClinVar (database versions not stated): ExAC 0.00001; gnomAD exomes 0.00001 and 0.00003; TOPMed 0.00002.
gnomAD v4.1: 8 of 1,614,056 alleles (0.0005%); highest among the groups gnomAD compares: Admixed American, 0.013%; no homozygotes.

Submissions (3):

Labcorp Genetics (formerly Invitae), Labcorp
Classification: Uncertain significance. Last evaluated: 2024-06-25. Review status: criteria provided, single submitter. Criteria: Invitae Variant Classification Sherloc (09022015). Collection method: clinical testing. Allele origin: germline.
Comment: This sequence change replaces glutamine, which is neutral and polar, with glutamic acid, which is acidic and polar, at codon 329 of the ADNP protein (p.Gln329Glu). This variant is present in population databases (rs756518915, gnomAD 0.02%). This variant has not been reported in the literature in individuals affected with ADNP-related conditions. ClinVar contains an entry for this variant (Variation ID: 285662). An algorithm developed to predict the effect of missense changes on protein structure and function (PolyPhen-2) suggests that this variant is likely to be disruptive. In summary, the available evidence is currently insufficient to determine the role of this variant in disease. Therefore, it has been classified as a Variant of Uncertain Significance.

Ambry Genetics
Classification: Likely benign for Inborn genetic diseases. Last evaluated: 2021-08-02. Review status: criteria provided, single submitter. Criteria: Ambry Variant Classification Scheme 2023. Collection method: clinical testing. Allele origin: germline.

Eurofins Ntd Llc (ga)
Classification: Uncertain significance. Last evaluated: 2016-01-06. Review status: criteria provided, single submitter. Criteria: EGL Classification Definitions 2015. Collection method: clinical testing. Allele origin: germline. Observed: 3 variant alleles, 3 heterozygotes.

NM_001282531.3(ADNP):c.985C>G (p.Gln329Glu)

Gene: ADNP (activity dependent neuroprotector homeobox; minus strand). Cytogenetic location: 20q13.13.
Variant type: single nucleotide variant.
Coding change: c.985C>G on transcript NM_001282531.3 (MANE Select); coding-DNA position 985, C replaced by G.
Protein change: p.Gln329Glu; replaces glutamine 329 with glutamic acid.
Molecular consequence: missense variant.
Genome position (GRCh38, 1-based): chr20:50,893,729, G>C on the plus strand (C>G on the coding strand, the complement: ADNP is on the minus strand). VCF-style: chr20-50893729-G-C. GRCh37 (hg19) VCF-style: chr20-49510266-G-C.
Other names: c.985C>G, p.Gln329Glu (NM_001282532.2, NM_001347511.2, NM_015339.5 and 1 more transcripts); c.985C>G (NM_015339.2); short protein forms Q329E.
Identifiers: ClinVar variation 285662 (VCV000285662.10), dbSNP rs756518915, ClinGen allele CA9908805.